The following is an entry in ClinVar:

ClinVar aggregate classification (germline): Pathogenic/Likely pathogenic. Review status: criteria provided, multiple submitters, no conflicts (2 of 4 stars). 3 submissions from 3 submitters: Pathogenic (1); Likely pathogenic (2). Last evaluated 2026-08-03.

Conditions:
TECTA-related disorder. Also called: TECTA-related condition.

Submissions (3):

PreventionGenetics, part of Exact Sciences
Classification: Likely pathogenic for TECTA-related condition. Last evaluated: 2026-08-03. Review status: criteria provided, single submitter. Criteria: ACMG Guidelines, 2015. Collection method: clinical testing. Allele origin: germline.
Comment: The TECTA c.3526_3539del14 variant is predicted to result in a frameshift and premature protein termination (p.Tyr1176Alafs*5). To our knowledge, this variant has not been reported in the literature. This variant is absent in a large population database (gnomAD), indicating this variant is rare. Frameshift variants in TECTA are an established mechanism of autosomal recessive disease. This variant is interpreted as likely pathogenic.

Revvity Omics, Revvity
Classification: Likely pathogenic. Last evaluated: 2025-04-08. Review status: criteria provided, single submitter. Criteria: ACMG Guidelines, 2015. Collection method: clinical testing. Allele origin: germline.

Labcorp Genetics (formerly Invitae), Labcorp
Classification: Pathogenic. Last evaluated: 2023-12-13. Review status: criteria provided, single submitter. Criteria: Invitae Variant Classification Sherloc (09022015). Collection method: clinical testing. Allele origin: germline.
Comment: This sequence change creates a premature translational stop signal (p.Tyr1176Alafs*5) in the TECTA gene. It is expected to result in an absent or disrupted protein product. Loss-of-function variants in TECTA are known to be pathogenic (PMID: 11087000, 12746400, 17431902, 24130743). This variant is not present in population databases (gnomAD no frequency). This variant has not been reported in the literature in individuals affected with TECTA-related conditions. For these reasons, this variant has been classified as Pathogenic.

Literature cited by the submitters: PubMed 11087000 (cited by Labcorp Genetics (formerly Invitae), Labcorp); PubMed 12746400 (cited by Labcorp Genetics (formerly Invitae), Labcorp); PubMed 17431902 (cited by Labcorp Genetics (formerly Invitae), Labcorp); PubMed 24130743 (cited by Labcorp Genetics (formerly Invitae), Labcorp).

NM_005422.4(TECTA):c.3526_3539del (p.Tyr1176fs)

Genes: TBCEL-TECTA (TBCEL-TECTA readthrough; plus strand), TECTA (tectorin alpha; plus strand). Cytogenetic location: 11q23.3.
Variant type: Deletion.
Coding change: c.3526_3539del on transcript NM_005422.4 (MANE Select); coding-DNA positions 3526 to 3539, 14 bases deleted (TACAAGCACACTGT).
Protein change: p.Tyr1176fs; shifts the reading frame from tyrosine 1176.
Molecular consequence: frameshift variant.
Genome position (GRCh38, 1-based): chr11:121,138,005-121,138,018, TACAAGCACACTGT deleted; deleting any 14 consecutive bases within chr11:121,138,004-121,138,018 gives the same sequence; the c. name uses the placement nearest the transcript's 3' end. VCF-style (leftmost placement, unchanged base first): chr11-121138003-CTTACAAGCACACTG-C. GRCh37 (hg19) VCF-style: chr11-121008712-CTTACAAGCACACTG-C.
Other names: c.4483_4496del, p.Tyr1495fs (NM_001378761.1); c.3526_3539del14 (NM_005422.2); c.3526_3539del (NM_005422.2); short protein forms Y1176fs, Y1495fs.
Identifiers: ClinVar variation 2986909 (VCV002986909.5), dbSNP rs754681578, ClinGen allele CA6327221.